The following is an entry in ClinVar:

ClinVar aggregate classification (germline): Pathogenic. Review status: criteria provided, single submitter (1 of 4 stars). 2 submissions from 2 submitters: Pathogenic (1). 1 of the submissions does not count toward it. Last evaluated 2024-06-01.

Conditions:
IFT74-related disorder. Also called: IFT74-related condition; IFT74-Related Disorders.

gnomAD v4.1: 11 of 1,493,636 alleles (0.00074%); highest among the groups gnomAD compares: East Asian, 0.0025%; no homozygotes.

Submissions (2):

Labcorp Genetics (formerly Invitae), Labcorp
Classification: Pathogenic. Last evaluated: 2024-06-01. Review status: criteria provided, single submitter. Criteria: Invitae Variant Classification Sherloc (09022015). Collection method: clinical testing. Allele origin: germline.
Comment: This sequence change creates a premature translational stop signal (p.Arg182*) in the IFT74 gene. It is expected to result in an absent or disrupted protein product. Loss-of-function variants in IFT74 are known to be pathogenic (PMID: 33531668). The frequency data for this variant in the population databases is considered unreliable, as metrics indicate poor data quality at this position in the gnomAD database. This variant has not been reported in the literature in individuals affected with IFT74-related conditions. For these reasons, this variant has been classified as Pathogenic.

PreventionGenetics, part of Exact Sciences
Classification: Likely pathogenic for IFT74-related condition. Last evaluated: 2024-05-31. Review status: no assertion criteria provided. Collection method: clinical testing. Allele origin: germline. Not counted in ClinVar's aggregate classification.
Comment: The IFT74 c.544C>T variant is predicted to result in premature protein termination (p.Arg182*). To our knowledge, this variant has not been reported in the literature. This variant is reported in 0.0048% of alleles in individuals of South Asian descent in gnomAD. Nonsense variants in IFT74 are expected to be pathogenic. This variant is interpreted as likely pathogenic.

Literature cited by the submitters: PubMed 33531668 (cited by Labcorp Genetics (formerly Invitae), Labcorp).

NM_025103.4(IFT74):c.544C>T (p.Arg182Ter)

Gene: IFT74 (intraflagellar transport 74; plus strand). Cytogenetic location: 9p21.2.
Variant type: single nucleotide variant.
Coding change: c.544C>T on transcript NM_025103.4 (MANE Select); coding-DNA position 544, C replaced by T.
Protein change: p.Arg182Ter; replaces arginine 182 with a stop codon.
Molecular consequence: nonsense.
Genome position (GRCh38, 1-based): chr9:26,990,152, C>T. VCF-style: chr9-26990152-C-T. GRCh37 (hg19) VCF-style: chr9-26990150-C-T.
Other names: c.544C>T, p.Arg182Ter (NM_001099222.3, NM_001099223.3, NM_001099224.3 and 1 more transcripts); short protein forms R182*.
Identifiers: ClinVar variation 3356977 (VCV003356977.3).